The following is an entry in ClinVar:

NM_152419.3(HGSNAT):c.493C>T (p.Pro165Ser)

Gene: HGSNAT (heparan-alpha-glucosaminide N-acetyltransferase; plus strand). Cytogenetic location: 8p11.21.
Variant type: single nucleotide variant.
Coding change: c.493C>T on transcript NM_152419.3 (MANE Select); coding-DNA position 493, C replaced by T.
Protein change: p.Pro165Ser; replaces proline 165 with serine.
Molecular consequence: missense variant. On other transcripts: 5 prime UTR variant (1).
Genome position (GRCh38, 1-based): chr8:43,159,044, C>T. VCF-style: chr8-43159044-C-T. GRCh37 (hg19) VCF-style: chr8-43014187-C-T.
Other names: c.493C>T, p.Pro165Ser (NM_001363227.2, NM_001363228.2); c.-341C>T (NM_001363229.2); short protein forms P165S.
Identifiers: ClinVar variation 911654 (VCV000911654.14), dbSNP rs371273730, ClinGen allele CA4736515.

ClinVar aggregate classification (germline): Uncertain significance. Review status: criteria provided, multiple submitters, no conflicts (2 of 4 stars). 7 submissions from 7 submitters: Uncertain significance (5). 2 of the submissions do not count toward it. Last evaluated 2025-12-04.

Conditions:
Retinal dystrophy. Also called: Inherited retinal dystrophy. Identifiers: Orphanet 71862, MedGen C0854723, MeSH D058499, MONDO:0019118, HP:0000556.
Inborn genetic diseases. Identifiers: MedGen C0950123, MeSH D030342.
Mucopolysaccharidosis, MPS-III-C (MPS3C). Also called: mucopolysaccharidosis type 3C; MUCOPOLYSACCHARIDOSIS, TYPE IIIC; SANFILIPPO SYNDROME C; MPS III C; Mucopolysaccharidosis type IIIC (Sanfilippo C); MPS IIIC (Sanfilippo Syndrome Type C). Identifiers: Orphanet 581, Orphanet 79271, MedGen C0086649, MONDO:0009657, OMIM 252930.
Retinitis pigmentosa 73 (RP73). Identifiers: Orphanet 791, MedGen C4225287, MONDO:0014687, OMIM 616544.

Allele frequency attached by ClinVar (database versions not stated): TOPMed 0.00010; gnomAD exomes 0.00008 and 0.00007; gnomAD 0.00016 and 0.00018; ExAC 0.00008.
gnomAD v4.1: 132 of 1,612,982 alleles (0.0082%); highest among the groups gnomAD compares: Middle Eastern, 0.066%; no homozygotes.

Submissions (7):

Ambry Genetics
Classification: Uncertain significance for Inborn genetic diseases. Last evaluated: 2025-12-04. Review status: criteria provided, single submitter. Criteria: Ambry Variant Classification Scheme 2023. Collection method: clinical testing. Allele origin: germline.
Comment: The c.493C>T (p.P165S) alteration is located in exon 4 (coding exon 4) of the HGSNAT gene. This alteration results from a C to T substitution at nucleotide position 493, causing the proline (P) at amino acid position 165 to be replaced by a serine (S). Based on data from gnomAD, the T allele has an overall frequency of 0.008% (23/279768) total alleles studied. The highest observed frequency was 0.025% (6/24178) of African alleles. This nucleotide position is highly conserved in available vertebrate species. This amino acid position is highly conserved in available vertebrate species. This alteration is predicted to be deleterious by in silico analysis. Based on insufficient or conflicting evidence, the clinical significance of this alteration remains unclear.

GeneDx
Classification: Uncertain significance. Last evaluated: 2024-07-11. Review status: criteria provided, single submitter. Criteria: GeneDx Variant Classification Process June 2021. Collection method: clinical testing. Allele origin: germline. Affected: yes.
Comment: Identified in the heterozygous state in an individual with extensive dermal melanocytosis, generalized hypertrichosis, and chronic itch without other features of MPS IIIC; a second variant was not identified (PMID: 38136122); In silico analysis supports that this missense variant has a deleterious effect on protein structure/function; This variant is associated with the following publications: (PMID: 38136122)

Blueprint Genetics
Classification: Uncertain significance. Last evaluated: 2024-02-19. Review status: criteria provided, single submitter. Criteria: ACMG Guidelines, 2015. Collection method: clinical testing. Allele origin: germline.

Labcorp Genetics (formerly Invitae), Labcorp
Classification: Uncertain significance for Retinitis pigmentosa 73; Mucopolysaccharidosis, MPS-III-C. Last evaluated: 2022-09-19. Review status: criteria provided, single submitter. Criteria: Invitae Variant Classification Sherloc (09022015). Collection method: clinical testing. Allele origin: germline.
Comment: This sequence change replaces proline, which is neutral and non-polar, with serine, which is neutral and polar, at codon 165 of the HGSNAT protein (p.Pro165Ser). This variant is present in population databases (rs371273730, gnomAD 0.02%). This variant has not been reported in the literature in individuals affected with HGSNAT-related conditions. ClinVar contains an entry for this variant (Variation ID: 911654). Algorithms developed to predict the effect of missense changes on protein structure and function are either unavailable or do not agree on the potential impact of this missense change (SIFT: "Deleterious"; PolyPhen-2: "Probably Damaging"; Align-GVGD: "Class C0"). Algorithms developed to predict the effect of sequence changes on RNA splicing suggest that this variant may disrupt the consensus splice site. In summary, the available evidence is currently insufficient to determine the role of this variant in disease. Therefore, it has been classified as a Variant of Uncertain Significance.

Illumina Laboratory Services, Illumina
Classification: Uncertain significance for Mucopolysaccharidosis, MPS-III-C. Last evaluated: 2018-01-13. Review status: criteria provided, single submitter. Criteria: ICSL Variant Classification Criteria 13 December 2019. Collection method: clinical testing. Allele origin: germline.

Institute of Human Genetics, Univ. Regensburg, Univ. Regensburg
Classification: Uncertain significance for Retinal dystrophy. Last evaluated: 2022-01-01. Review status: no assertion criteria provided. Criteria: ACMG Guidelines, 2015. Collection method: clinical testing. Allele origin: germline. Affected: yes. Not counted in ClinVar's aggregate classification.

Natera, Inc.
Classification: Uncertain significance for Mucopolysaccharidosis type IIIC. Last evaluated: 2020-04-14. Review status: no assertion criteria provided. Collection method: clinical testing. Allele origin: germline. Not counted in ClinVar's aggregate classification.